The following is an entry in ClinVar:

NM_024675.4(PALB2):c.1362del (p.Asn455fs)

Gene: PALB2 (partner and localizer of BRCA2; minus strand). Cytogenetic location: 16p12.2.
Variant type: Deletion.
Coding change: c.1362del on transcript NM_024675.4 (MANE Select); coding-DNA position 1362, one base deleted (C; older notation c.1362delC).
Protein change: p.Asn455fs; shifts the reading frame from asparagine 455.
Molecular consequence: frameshift variant.
Genome position (GRCh38, 1-based): chr16:23,635,184, G deleted on the plus strand (C on the coding strand, the reverse complement: PALB2 is on the minus strand); the first of 2 consecutive G bases (chr16:23,635,184-23,635,185); deleting either gives the same sequence. VCF-style (leftmost placement, unchanged base first): chr16-23635183-TG-T. GRCh37 (hg19) VCF-style: chr16-23646504-TG-T.
Other names: c.1362delC (NM_024675.3); short protein forms N455fs.
Identifiers: ClinVar variation 530196 (VCV000530196.7), dbSNP rs1555461323, ClinGen allele CA658798558.
Genomic context (GRCh38, chr16:23,635,183, plus strand): 5'-AACTTGGTTGTCCTGTGCATGTGCCAGACATCCTAATTTCACTTTGGTCAGTTTCCTCAT[TG>T]GAAAGGTTTAAATTTTTACTTGCATCCTTATTTTTATTTTTAAACCCTTTTTTCTTGACA-3'

ClinVar aggregate classification (germline): Pathogenic (1 of 4 stars; one submission).

Conditions:
Familial cancer of breast. Also called: BREAST CANCER, FAMILIAL; Hereditary breast cancer; hereditary breast carcinoma. Identifiers: Orphanet 227535, MedGen C0346153, MONDO:0016419, OMIM 114480. Disease mechanism: loss of function.

Submission:

Labcorp Genetics (formerly Invitae), Labcorp
Classification: Pathogenic for Familial cancer of breast. Last evaluated: 2018-03-03. Review status: criteria provided, single submitter. Criteria: Invitae Variant Classification Sherloc (09022015). Collection method: clinical testing. Allele origin: germline.
Comment: This variant has not been reported in the literature in individuals with PALB2-related disease. This sequence change creates a premature translational stop signal (p.Asn455Metfs*30) in the PALB2 gene. It is expected to result in an absent or disrupted protein product. This variant is not present in population databases (ExAC no frequency). Loss-of-function variants in PALB2 are known to be pathogenic (PMID: 17200668, 24136930, 25099575). For these reasons, this variant has been classified as Pathogenic.

Literature cited by the submitters: PubMed 17200668; PubMed 24136930; PubMed 25099575.